The following is an entry in ClinVar:

NM_024529.5(CDC73):c.100A>G (p.Lys34Glu)

Gene: CDC73 (cell division cycle 73; plus strand). Cytogenetic location: 1q31.2.
Variant type: single nucleotide variant.
Coding change: c.100A>G on transcript NM_024529.5 (MANE Select); coding-DNA position 100, A replaced by G.
Protein change: p.Lys34Glu; replaces lysine 34 with glutamic acid.
Molecular consequence: missense variant.
Genome position (GRCh38, 1-based): chr1:193,122,300, A>G. VCF-style: chr1-193122300-A-G. GRCh37 (hg19) VCF-style: chr1-193091430-A-G.
Other names: short protein forms K34E.
Identifiers: ClinVar variation 3694856 (VCV003694856.2).
Genomic context (GRCh38, chr1:193,122,300, plus strand): 5'-CAGAAGAAGGAGATTGTGGTGAAGGGAGACGAAGTGATCTTCGGGGAGTTCTCCTGGCCC[A>G]AGAATGTGAAGACCAACTATGTTGTTTGGGGGTAAGTCCGGCATGGCTGTGGCCCAGGGG-3'
Protein context (NP_078805.3, residues 24-44): EVIFGEFSWP[Lys34Glu]NVKTNYVVWG

ClinVar aggregate classification (germline): Uncertain significance (1 of 4 stars; one submission).

Conditions:
Parathyroid carcinoma (PRTC). Also called: Parathyroid gland carcinoma; CDC73-Related Parathyroid Carcinoma. Identifiers: Orphanet 143, MedGen C0687150, MONDO:0012004, OMIM 608266, HP:0006780.

Submission:

Labcorp Genetics (formerly Invitae), Labcorp
Classification: Uncertain significance for Parathyroid carcinoma. Last evaluated: 2024-10-31. Review status: criteria provided, single submitter. Criteria: Invitae Variant Classification Sherloc (09022015). Collection method: clinical testing. Allele origin: germline.
Comment: This sequence change replaces lysine, which is basic and polar, with glutamic acid, which is acidic and polar, at codon 34 of the CDC73 protein (p.Lys34Glu). This variant is not present in population databases (gnomAD no frequency). This variant has not been reported in the literature in individuals affected with CDC73-related conditions. Invitae Evidence Modeling of protein sequence and biophysical properties (such as structural, functional, and spatial information, amino acid conservation, physicochemical variation, residue mobility, and thermodynamic stability) indicates that this missense variant is expected to disrupt CDC73 protein function with a positive predictive value of 80%. In summary, the available evidence is currently insufficient to determine the role of this variant in disease. Therefore, it has been classified as a Variant of Uncertain Significance.